The following is an entry in ClinVar:

NM_000492.4(CFTR):c.2153C>G (p.Pro718Arg)

Gene: CFTR (CF transmembrane conductance regulator; plus strand). Cytogenetic location: 7q31.2.
Variant type: single nucleotide variant.
Coding change: c.2153C>G on transcript NM_000492.4 (MANE Select); coding-DNA position 2153, C replaced by G.
Protein change: p.Pro718Arg; replaces proline 718 with arginine.
Molecular consequence: missense variant.
Genome position (GRCh38, 1-based): chr7:117,592,320, C>G. VCF-style: chr7-117592320-C-G. GRCh37 (hg19) VCF-style: chr7-117232374-C-G.
Other names: p.Pro718Arg; short protein forms P718R.
Identifiers: ClinVar variation 820807 (VCV000820807.51), dbSNP rs142432539, ClinGen allele CA4451149.

ClinVar aggregate classification (germline): Uncertain significance. Review status: criteria provided, multiple submitters, no conflicts (2 of 4 stars). 9 submissions from 9 submitters: Uncertain significance (8). 1 of the submissions does not count toward it. Last evaluated 2025-07-05.

Conditions:
CFTR-related disorder (CFTR-RD). Also called: CFTR-related disorders; CFTR-related condition. Identifiers: MedGen C5924204, MONDO:7770004.
Cystic fibrosis (CF). Also called: MUCOVISCIDOSIS. Identifiers: Orphanet 586, MedGen C0010674, MONDO:0009061, OMIM 219700. Disease mechanism: loss of function.
Congenital bilateral aplasia of vas deferens from CFTR mutation (CBAVD). Identifiers: Orphanet 48, MedGen C0403814, MONDO:0010178, OMIM 277180. Disease mechanism: loss of function.
Bronchiectasis with or without elevated sweat chloride 1 (BESC1). Also called: Cystic Fibrosis-Like Syndrome. Identifiers: Orphanet 60033, MedGen C2749757, MONDO:0008887, OMIM 211400.
Hereditary pancreatitis (PCTT). Also called: PRSS1-Related Hereditary Pancreatitis; Hereditary chronic pancreatitis. Identifiers: Orphanet 676, MedGen C0238339, MONDO:0008185, OMIM 167800.

Allele frequency attached by ClinVar (database versions not stated): gnomAD exomes 0.00001 and 0.00003; ExAC 0.00002; gnomAD 0.00011; TOPMed 0.00014; ESP Exome Variant Server 0.00015.
gnomAD v4.1: 29 of 1,613,968 alleles (0.0018%); highest among the groups gnomAD compares: African/African-American, 0.037%; no homozygotes.

Submissions (9):

PreventionGenetics, part of Exact Sciences
Classification: Uncertain significance for CFTR-related condition. Last evaluated: 2025-07-05. Review status: criteria provided, single submitter. Criteria: ACMG Guidelines, 2015. Collection method: clinical testing. Allele origin: germline.
Comment: The CFTR c.2153C>G variant is predicted to result in the amino acid substitution p.Pro718Arg. This variant has been reported along with a second CFTR variant in two individuals with positive newborn screening results however, phasing and follow up information was not provided (Prach et al. 2013. PubMed ID: 23810505; Ratkiewicz et al. 2017. PubMed ID: 28194692). This variant is reported in 0.043% of alleles in individuals of African descent in gnomAD, and is consistently reported as uncertain in ClinVar (ClinVar ID: 820807). At this time, the clinical significance of this variant is uncertain due to the absence of conclusive functional and genetic evidence.

Ambry Genetics
Classification: Uncertain significance for Cystic fibrosis. Last evaluated: 2024-01-16. Review status: criteria provided, single submitter. Criteria: Ambry Variant Classification Scheme 2023. Collection method: clinical testing. Allele origin: germline.
Comment: The p.P718R variant (also known as c.2153C>G), located in coding exon 14 of the CFTR gene, results from a C to G substitution at nucleotide position 2153. The proline at codon 718 is replaced by arginine, an amino acid with dissimilar properties. This variant was identified in a newborn with an abnormal newborn screening result in conjunction with p.F508del; however, further clinical information and phase was not provided (Prach L et al. J Mol Diagn, 2013 Sep;15:710-22). This amino acid position is not well conserved in available vertebrate species. In addition, the in silico prediction for this alteration is inconclusive. Based on available evidence to date, the clinical significance of this alteration remains unclear.

Mayo Clinic Laboratories, Mayo Clinic
Classification: Uncertain significance. Last evaluated: 2023-07-20. Review status: criteria provided, single submitter. Criteria: ACMG Guidelines, 2015. Collection method: clinical testing. Allele origin: germline. Observed: 1 variant allele.
Comment: PM2_moderate

Women's Health and Genetics/Laboratory Corporation of America, LabCorp
Classification: Uncertain significance. Last evaluated: 2023-03-14. Review status: criteria provided, single submitter. Criteria: LabCorp Variant Classification Summary - May 2015. Collection method: clinical testing. Allele origin: germline.
Comment: Variant summary: CFTR c.2153C>G (p.Pro718Arg) results in a non-conservative amino acid change located in the CFTR regulator domain (IPR025837) of the encoded protein sequence. Three of five in-silico tools predict a benign effect of the variant on protein function. The variant allele was found at a frequency of 2.8e-05 in 251228 control chromosomes. The available data on variant occurrences in the general population are insufficient to allow any conclusion about variant significance. c.2153C>G has been reported in the literature in two newborns by two different studies (example, Ratkiewicz_2017, Prach_2013) without adequate or conclusive information, however, in relation to pathogenicity. These report(s) do not provide unequivocal conclusions about association of the variant with Chronic Pancreatitis Risk/Cystic Fibrosis. To our knowledge, no experimental evidence demonstrating an impact on protein function has been reported. Five clinical diagnostic laboratories have submitted clinical-significance assessments for this variant to ClinVar after 2014 without evidence for independent evaluation. All laboratories classified the variant as uncertain significance. Based on the evidence outlined above, the variant was classified as uncertain significance.

Quest Diagnostics Nichols Institute San Juan Capistrano
Classification: Uncertain significance. Last evaluated: 2022-09-15. Review status: criteria provided, single submitter. Criteria: Quest Diagnostics criteria. Collection method: clinical testing. Allele origin: unknown.
Comment: The frequency of this variant in the general population, 0.00043 (7/16236 chromosomes), is uninformative in assessment of its pathogenicity. In the published literature, the variant has been reported in children identified in newborn screening studies who also carried other CFTR variants (PMID: 23810505 (2013), 28194692 (2017)). Analysis of this variant using bioinformatics tools for the prediction of the effect of amino acid changes on protein structure and function yielded predictions that this variant is benign. Based on the available information, we are unable to determine the clinical significance of this variant.

Labcorp Genetics (formerly Invitae), Labcorp
Classification: Uncertain significance for Cystic fibrosis. Last evaluated: 2022-02-17. Review status: criteria provided, single submitter. Criteria: Invitae Variant Classification Sherloc (09022015). Collection method: clinical testing. Allele origin: germline.
Comment: This sequence change replaces proline, which is neutral and non-polar, with arginine, which is basic and polar, at codon 718 of the CFTR protein (p.Pro718Arg). This variant is present in population databases (rs142432539, gnomAD 0.03%). This variant has not been reported in the literature in individuals affected with CFTR-related conditions. ClinVar contains an entry for this variant (Variation ID: 820807). Algorithms developed to predict the effect of missense changes on protein structure and function (SIFT, PolyPhen-2, Align-GVGD) all suggest that this variant is likely to be tolerated. In summary, the available evidence is currently insufficient to determine the role of this variant in disease. Therefore, it has been classified as a Variant of Uncertain Significance.

Genome-Nilou Lab
Classification: Uncertain significance for Cystic fibrosis. Last evaluated: 2021-09-05. Review status: criteria provided, single submitter. Criteria: ACMG Guidelines, 2015. Collection method: clinical testing. Allele origin: germline. Affected: no.

Fulgent Genetics
Classification: Uncertain significance for Hereditary pancreatitis; Bronchiectasis with or without elevated sweat chloride 1; Cystic fibrosis; Congenital bilateral aplasia of vas deferens from CFTR mutation. Last evaluated: 2021-07-21. Review status: criteria provided, single submitter. Criteria: ACMG Guidelines, 2015. Collection method: clinical testing. Allele origin: unknown.

Natera, Inc.
Classification: Uncertain significance for CFTR-related disorders. Last evaluated: 2018-07-28. Review status: no assertion criteria provided. Collection method: clinical testing. Allele origin: germline. Not counted in ClinVar's aggregate classification.

Literature cited by the submitters: PubMed 23810505 (cited by 4 submitters); PubMed 28194692 (cited by 3 submitters); PubMed 34996830 (cited by Women's Health and Genetics/Laboratory Corporation of America, LabCorp).